The following is an entry in ClinVar:

ClinVar aggregate classification (germline): Uncertain significance. Review status: criteria provided, multiple submitters, no conflicts (2 of 4 stars). 2 submissions from 2 submitters: Uncertain significance (2). Last evaluated 2021-08-12.

Allele frequency attached by ClinVar (database versions not stated): TOPMed below 0.00001.

Submissions (2):

Labcorp Genetics (formerly Invitae), Labcorp
Classification: Uncertain significance. Last evaluated: 2021-08-12. Review status: criteria provided, single submitter. Criteria: Invitae Variant Classification Sherloc (09022015). Collection method: clinical testing. Allele origin: germline.
Comment: This variant is not present in population databases (ExAC no frequency). This variant has not been reported in the literature in individuals with SCN3A-related conditions. Algorithms developed to predict the effect of missense changes on protein structure and function are either unavailable or do not agree on the potential impact of this missense change (SIFT: "Deleterious"; PolyPhen-2: "Probably Damaging"; Align-GVGD: "Class C0"). In summary, the available evidence is currently insufficient to determine the role of this variant in disease. Therefore, it has been classified as a Variant of Uncertain Significance. This sequence change replaces glycine with alanine at codon 479 of the SCN3A protein (p.Gly479Ala). The glycine residue is highly conserved and there is a small physicochemical difference between glycine and alanine.

GeneDx
Classification: Uncertain significance. Last evaluated: 2019-07-16. Review status: criteria provided, single submitter. Criteria: GeneDx Variant Classification Process June 2021. Collection method: clinical testing. Allele origin: germline. Affected: yes.
Comment: Not observed in large population cohorts (Lek et al., 2016); In silico analysis, which includes protein predictors and evolutionary conservation, supports that this variant does not alter protein structure/function; Has not been previously published as pathogenic or benign to our knowledge

NM_006922.4(SCN3A):c.1436G>C (p.Gly479Ala)

Gene: SCN3A (sodium voltage-gated channel alpha subunit 3; minus strand). Cytogenetic location: 2q24.3.
Variant type: single nucleotide variant.
Coding change: c.1436G>C on transcript NM_006922.4 (MANE Select); coding-DNA position 1436, G replaced by C.
Protein change: p.Gly479Ala; replaces glycine 479 with alanine.
Molecular consequence: missense variant.
Genome position (GRCh38, 1-based): chr2:165,146,974, C>G on the plus strand (G>C on the coding strand, the complement: SCN3A is on the minus strand). VCF-style: chr2-165146974-C-G. GRCh37 (hg19) VCF-style: chr2-166003484-C-G.
Other names: c.1436G>C, p.Gly479Ala (NM_001081676.2, NM_001081677.2); short protein forms G479A.
Identifiers: ClinVar variation 1307067 (VCV001307067.9), dbSNP rs1688388372, ClinGen allele CA349236793.